The following is an entry in ClinVar:

ClinVar aggregate classification (germline): Uncertain significance. Review status: criteria provided, multiple submitters, no conflicts (2 of 4 stars). 4 submissions from 4 submitters: Uncertain significance (4). Last evaluated 2025-04-25.

Conditions:
Inborn genetic diseases. Identifiers: MedGen C0950123, MeSH D030342.
Leber congenital amaurosis 2 (LCA2). Also called: AMAUROSIS CONGENITA OF LEBER II; Autosomal Recessive RPE65-Related Retinal Degeneration. Identifiers: Orphanet 65, MedGen C1859844, MONDO:0008765, OMIM 204100. Disease mechanism: loss of function.
Retinitis pigmentosa 20 (RP20). Identifiers: Orphanet 791, MedGen C3151086, MONDO:0013425, OMIM 613794.

Allele frequency attached by ClinVar (database versions not stated): ExAC 0.00001; gnomAD exomes 0.00001; TOPMed 0.00005; gnomAD 0.00006.
gnomAD v4.1: 25 of 1,613,948 alleles (0.0015%); highest among the groups gnomAD compares: African/African-American, 0.033%; no homozygotes.

Submissions (4):

GeneDx
Classification: Uncertain significance. Last evaluated: 2025-04-25. Review status: criteria provided, single submitter. Criteria: GeneDx Variant Classification Process June 2021. Collection method: clinical testing. Allele origin: germline. Affected: yes.
Comment: In silico analysis supports that this missense variant has a deleterious effect on protein structure/function; Has not been previously published as pathogenic or benign to our knowledge

Labcorp Genetics (formerly Invitae), Labcorp
Classification: Uncertain significance for Leber congenital amaurosis 2; Retinitis pigmentosa 20. Last evaluated: 2024-10-30. Review status: criteria provided, single submitter. Criteria: Invitae Variant Classification Sherloc (09022015). Collection method: clinical testing. Allele origin: germline.
Comment: This sequence change replaces isoleucine, which is neutral and non-polar, with phenylalanine, which is neutral and non-polar, at codon 209 of the RPE65 protein (p.Ile209Phe). This variant is present in population databases (rs781416768, gnomAD 0.03%). This variant has not been reported in the literature in individuals affected with RPE65-related conditions. ClinVar contains an entry for this variant (Variation ID: 2083824). Invitae Evidence Modeling of protein sequence and biophysical properties (such as structural, functional, and spatial information, amino acid conservation, physicochemical variation, residue mobility, and thermodynamic stability) indicates that this missense variant is not expected to disrupt RPE65 protein function with a negative predictive value of 80%. In summary, the available evidence is currently insufficient to determine the role of this variant in disease. Therefore, it has been classified as a Variant of Uncertain Significance.

Ambry Genetics
Classification: Uncertain significance for Inborn genetic diseases. Last evaluated: 2022-02-02. Review status: criteria provided, single submitter. Criteria: Ambry Variant Classification Scheme 2023. Collection method: clinical testing. Allele origin: germline.

Blueprint Genetics
Classification: Uncertain significance. Last evaluated: 2018-12-17. Review status: criteria provided, single submitter. Criteria: ACMG Guidelines, 2015. Collection method: clinical testing. Allele origin: germline.

NM_000329.3(RPE65):c.625A>T (p.Ile209Phe)

Gene: RPE65 (retinoid isomerohydrolase RPE65; minus strand). Cytogenetic location: 1p31.3.
Variant type: single nucleotide variant.
Coding change: c.625A>T on transcript NM_000329.3 (MANE Select); coding-DNA position 625, A replaced by T.
Protein change: p.Ile209Phe; replaces isoleucine 209 with phenylalanine.
Molecular consequence: missense variant.
Genome position (GRCh38, 1-based): chr1:68,440,871, T>A on the plus strand (A>T on the coding strand, the complement: RPE65 is on the minus strand). VCF-style: chr1-68440871-T-A. GRCh37 (hg19) VCF-style: chr1-68906554-T-A.
Other names: c.517A>T, p.Ile173Phe (NM_001406853.1); c.349A>T, p.Ile117Phe (NM_001406856.1, NM_001406857.1); c.625A>T, p.Ile209Phe (NM_001406859.1); c.625A>T (NM_000329.2); short protein forms I173F, I209F, I117F.
Identifiers: ClinVar variation 2083824 (VCV002083824.5), dbSNP rs781416768, ClinGen allele CA902454.